The following is an entry in ClinVar:

NM_000548.5(TSC2):c.292C>G (p.Arg98Gly)

Gene: TSC2 (TSC complex subunit 2; plus strand). Cytogenetic location: 16p13.3.
Variant type: single nucleotide variant.
Coding change: c.292C>G on transcript NM_000548.5 (MANE Select); coding-DNA position 292, C replaced by G.
Protein change: p.Arg98Gly; replaces arginine 98 with glycine.
Molecular consequence: missense variant. On other transcripts: intron variant (2).
Genome position (GRCh38, 1-based): chr16:2,053,408, C>G. VCF-style: chr16-2053408-C-G. GRCh37 (hg19) VCF-style: chr16-2103409-C-G.
Other names: c.292C>G, p.Arg98Gly (NM_001077183.3, NM_001114382.3, NM_001363528.2 and 10 more transcripts); c.145C>G, p.Arg49Gly (NM_001318829.2, NM_001406675.1, NM_001406676.1 and 2 more transcripts); c.325C>G, p.Arg109Gly (NM_001318832.2); c.-525C>G (NM_001406680.1, NM_001406683.1, NM_001406687.1); c.-154C>G (NM_001406681.1); c.-1140C>G (NM_001406689.1, NM_001406690.1, NM_001406691.1 and 2 more transcripts); c.-1446C>G (NM_001406693.1); c.-1021C>G (NM_001406694.1, NM_001406695.1); and 4 more; short protein forms R109G, R49G, R98G.
Identifiers: ClinVar variation 1797787 (VCV001797787.7), dbSNP rs372321790, ClinGen allele CA394305785.

ClinVar aggregate classification (germline): Uncertain significance. Review status: criteria provided, multiple submitters, no conflicts (2 of 4 stars). 2 submissions from 2 submitters: Uncertain significance (2). Last evaluated 2025-01-13.

Conditions:
Hereditary cancer-predisposing syndrome. Also called: Neoplastic Syndromes, Hereditary; Tumor predisposition; Hereditary neoplastic syndrome; Hereditary Cancer Syndrome. Identifiers: Orphanet 140162, MedGen C0027672, MeSH D009386, MONDO:0015356.
Tuberous sclerosis 2 (TSC2). Identifiers: Orphanet 805, MedGen C1860707, MONDO:0013199, OMIM 613254.

Submissions (2):

Labcorp Genetics (formerly Invitae), Labcorp
Classification: Uncertain significance for Tuberous sclerosis 2. Last evaluated: 2025-01-13. Review status: criteria provided, single submitter. Criteria: Invitae Variant Classification Sherloc (09022015). Collection method: clinical testing. Allele origin: germline.
Comment: This sequence change replaces arginine, which is basic and polar, with glycine, which is neutral and non-polar, at codon 98 of the TSC2 protein (p.Arg98Gly). This variant is not present in population databases (gnomAD no frequency). This variant has not been reported in the literature in individuals affected with TSC2-related conditions. ClinVar contains an entry for this variant (Variation ID: 1797787). Invitae Evidence Modeling of protein sequence and biophysical properties (such as structural, functional, and spatial information, amino acid conservation, physicochemical variation, residue mobility, and thermodynamic stability) indicates that this missense variant is not expected to disrupt TSC2 protein function with a negative predictive value of 95%. In summary, the available evidence is currently insufficient to determine the role of this variant in disease. Therefore, it has been classified as a Variant of Uncertain Significance.

Ambry Genetics
Classification: Uncertain significance for Hereditary cancer-predisposing syndrome. Last evaluated: 2020-04-09. Review status: criteria provided, single submitter. Criteria: Ambry Variant Classification Scheme 2023. Collection method: clinical testing. Allele origin: germline.
Comment: The p.R98G variant (also known as c.292C>G), located in coding exon 3 of the TSC2 gene, results from a C to G substitution at nucleotide position 292. The arginine at codon 98 is replaced by glycine, an amino acid with dissimilar properties. This amino acid position is well conserved in available vertebrate species. In addition, this alteration is predicted to be deleterious by in silico analysis. Since supporting evidence is limited at this time, the clinical significance of this alteration remains unclear.